The following is an entry in ClinVar:

ClinVar aggregate classification (germline): Conflicting classifications of pathogenicity. Review status: criteria provided, conflicting classifications (1 of 4 stars). 14 submissions from 14 submitters: Uncertain significance (1); Benign (9); Likely benign (1). 3 of the submissions do not count toward it. Last evaluated 2026-09-01.

Conditions:
Nemaline myopathy 2 (NEM2). Also called: Nemaline myopathy 2, autosomal recessive. Identifiers: MedGen C1850569, MONDO:0009725, OMIM 256030.

Allele frequency attached by ClinVar (database versions not stated): 1000 Genomes Project 0.00719; 1000 Genomes Project 30x 0.00765; TOPMed 0.01424; gnomAD 0.01617 and 0.01624; gnomAD exomes 0.01633 and 0.02403; ExAC 0.01805; ESP Exome Variant Server 0.01889.
gnomAD v4.1: 37,312 of 1,613,012 alleles (2.3%); highest among the groups gnomAD compares: Non-Finnish European, 2.8%; 553 homozygotes.

Submissions (14):

CeGaT Center for Human Genetics Tuebingen
Classification: Benign. Last evaluated: 2026-09-01. Review status: criteria provided, single submitter. Criteria: CeGaT Center For Human Genetics Tuebingen Variant Classification Criteria Version 2. Collection method: clinical testing. Allele origin: germline. Affected: yes. Observed: 32 variant alleles.
Comment: NEB: BS1, BS2

Labcorp Genetics (formerly Invitae), Labcorp
Classification: Benign for Nemaline myopathy 2. Last evaluated: 2026-02-04. Review status: criteria provided, single submitter. Criteria: Invitae Variant Classification Sherloc (09022015). Collection method: clinical testing. Allele origin: germline.

Blueprint Genetics
Classification: Likely benign. Last evaluated: 2024-11-26. Review status: criteria provided, single submitter. Criteria: ACMG Guidelines, 2015. Collection method: clinical testing. Allele origin: germline.

Genome-Nilou Lab
Classification: Benign for Nemaline myopathy 2. Last evaluated: 2021-05-18. Review status: criteria provided, single submitter. Criteria: ACMG Guidelines, 2015. Collection method: clinical testing. Allele origin: germline. Affected: no.

Athena Diagnostics
Classification: Benign. Last evaluated: 2020-01-24. Review status: criteria provided, single submitter. Criteria: Athena Diagnostics Criteria. Collection method: clinical testing. Allele origin: unknown.

Women's Health and Genetics/Laboratory Corporation of America, LabCorp
Classification: Benign. Last evaluated: 2018-08-06. Review status: criteria provided, single submitter. Criteria: LabCorp Variant Classification Summary - May 2015. Collection method: clinical testing. Allele origin: germline.
Comment: Variant summary: NEB c.571G>C (p.Glu191Gln) results in a conservative amino acid change located in the Nebulin repeat region of the encoded protein sequence. Three of five in-silico tools predict a benign effect of the variant on protein function. The variant allele was found at a frequency of 0.016 in 276052 control chromosomes in the gnomAD database, including 81 homozygotes. The observed variant frequency is approximately 4.65 fold of the estimated maximal expected allele frequency for a pathogenic variant in NEB causing Nemaline Myopathy 2 phenotype (0.0035), strongly suggesting that the variant is benign. To our knowledge, no occurrence of c.571G>C in individuals affected with Nemaline Myopathy 2 and no experimental evidence demonstrating its impact on protein function have been reported. Two ClinVar submissions from other clinical diagnostic laboratories (evaluation after 2014) cites variant as "benign." Based on the evidence outlined above, the variant was classified as benign.

Illumina Laboratory Services, Illumina
Classification: Benign for Nemaline myopathy 2. Last evaluated: 2018-01-12. Review status: criteria provided, single submitter. Criteria: ICSL Variant Classification Criteria 13 December 2019. Collection method: clinical testing. Allele origin: germline.
Comment: This variant was observed in the ICSL laboratory as part of a predisposition screen in an ostensibly healthy population. It had not been previously curated by ICSL or reported in the Human Gene Mutation Database (HGMD: prior to June 1st, 2018), and was therefore a candidate for classification through an automated scoring system. Utilizing variant allele frequency, disease prevalence and penetrance estimates, and inheritance mode, an automated score was calculated to assess if this variant is too frequent to cause the disease. Based on the score and internal cut-off values, a variant classified as benign is not then subjected to further curation. The score for this variant resulted in a classification of benign for this disease.

Mayo Clinic Laboratories, Mayo Clinic
Classification: Benign. Last evaluated: 2017-12-05. Review status: criteria provided, single submitter. Criteria: ACMG Guidelines, 2015. Collection method: clinical testing. Allele origin: germline. Observed: 30 variant alleles.

GeneDx
Classification: Benign. Last evaluated: 2016-05-31. Review status: criteria provided, single submitter. Criteria: GeneDx Variant Classification (06012015). Collection method: clinical testing. Allele origin: germline. Affected: yes.
Comment: This variant is considered likely benign or benign based on one or more of the following criteria: it is a conservative change, it occurs at a poorly conserved position in the protein, it is predicted to be benign by multiple in silico algorithms, and/or has population frequency not consistent with disease.

Genetic Services Laboratory, University of Chicago
Classification: Uncertain significance. Last evaluated: 2013-08-23. Review status: criteria provided, single submitter. Criteria: ACMG Guidelines, 2007. Collection method: clinical testing. Allele origin: germline. Inheritance: Autosomal recessive inheritance.

PreventionGenetics, part of Exact Sciences
Classification: Benign. Review status: criteria provided, single submitter. Criteria: ACMG Guidelines, 2015. Collection method: clinical testing. Allele origin: germline.

Natera, Inc.
Classification: Benign for Nemaline myopathy type 2. Last evaluated: 2020-06-08. Review status: no assertion criteria provided. Collection method: clinical testing. Allele origin: germline. Not counted in ClinVar's aggregate classification.

Genome Diagnostics Laboratory, University Medical Center Utrecht
Classification: Benign. Review status: no assertion criteria provided. Collection method: clinical testing. Allele origin: germline. Affected: yes. Study: VKGL Data-share Consensus. Not counted in ClinVar's aggregate classification.

Laboratory of Diagnostic Genome Analysis, Leiden University Medical Center (LUMC)
Classification: Likely benign. Review status: no assertion criteria provided. Collection method: clinical testing. Allele origin: germline. Affected: yes. Study: VKGL Data-share Consensus. Not counted in ClinVar's aggregate classification.

NM_001164508.2(NEB):c.571G>C (p.Glu191Gln)

Gene: NEB (nebulin; minus strand). Cytogenetic location: 2q23.3.
Variant type: single nucleotide variant.
Coding change: c.571G>C on transcript NM_001164508.2 (MANE Select); coding-DNA position 571, G replaced by C.
Protein change: p.Glu191Gln; replaces glutamic acid 191 with glutamine.
Molecular consequence: missense variant.
Genome position (GRCh38, 1-based): chr2:151,724,301, C>G on the plus strand (G>C on the coding strand, the complement: NEB is on the minus strand). VCF-style: chr2-151724301-C-G. GRCh37 (hg19) VCF-style: chr2-152580815-C-G.
Other names: c.571G>C, p.Glu191Gln (NM_001164507.2, NM_001271208.2, NM_004543.5); short protein forms E191Q.
Identifiers: ClinVar variation 129748 (VCV000129748.47), dbSNP rs35686968, ClinGen allele CA231321.
Genomic context (GRCh38, chr2:151,724,301, plus strand): 5'-CAATGGAGCAGACCCTTACCTTGCTGAACATGGCGGTGTTCTTAACGGCCTGGACAAGTT[C>G]AGGGGCATCAGGAGGAAGCAGGTACTTATCCTTGGTGTCTTCCCAGTTCTGCTTGTATAA-3'
Protein context (NP_001157980.2, residues 181-201): DKYLLPPDAP[Glu191Gln]LVQAVKNTAM